The following is an entry in ClinVar:

ClinVar aggregate classification (germline): Uncertain significance. Review status: criteria provided, multiple submitters, no conflicts (2 of 4 stars). 2 submissions from 2 submitters: Uncertain significance (2). Last evaluated 2026-09-04.

Conditions:
Cardiovascular phenotype. Identifiers: MedGen CN230736.
Catecholaminergic polymorphic ventricular tachycardia 1. Also called: RYR2-Related Catecholaminergic Polymorphic Ventricular Tachycardia; VENTRICULAR TACHYCARDIA, STRESS-INDUCED POLYMORPHIC 1; VENTRICULAR TACHYCARDIA, CATECHOLAMINERGIC POLYMORPHIC, 1, WITH OR WITHOUT ATRIAL DYSFUNCTION AND/OR DILATED CARDIOMYOPATHY. Identifiers: Orphanet 3286, MedGen C1631597, MONDO:0011484, OMIM 604772.

Submissions (2):

Ambry Genetics
Classification: Uncertain significance for Cardiovascular phenotype. Last evaluated: 2026-09-04. Review status: criteria provided, single submitter. Criteria: Ambry Variant Classification Scheme 2023. Collection method: clinical testing. Allele origin: germline.
Comment: The p.D2885Y variant (also known as c.8653G>T), located in coding exon 59 of the RYR2 gene, results from a G to T substitution at nucleotide position 8653. The aspartic acid at codon 2885 is replaced by tyrosine, an amino acid with highly dissimilar properties. This amino acid position is conserved. In addition, the in silico prediction for this alteration is inconclusive. Based on the available evidence, the clinical significance of this variant remains unclear.

Labcorp Genetics (formerly Invitae), Labcorp
Classification: Uncertain significance for Catecholaminergic polymorphic ventricular tachycardia 1. Last evaluated: 2021-11-19. Review status: criteria provided, single submitter. Criteria: Invitae Variant Classification Sherloc (09022015). Collection method: clinical testing. Allele origin: germline.
Comment: In summary, the available evidence is currently insufficient to determine the role of this variant in disease. Therefore, it has been classified as a Variant of Uncertain Significance. Algorithms developed to predict the effect of sequence changes on RNA splicing suggest that this variant may create or strengthen a splice site. Algorithms developed to predict the effect of missense changes on protein structure and function (SIFT, PolyPhen-2, Align-GVGD) all suggest that this variant is likely to be disruptive. This variant has not been reported in the literature in individuals affected with RYR2-related conditions. This variant is not present in population databases (gnomAD no frequency). This sequence change replaces aspartic acid, which is acidic and polar, with tyrosine, which is neutral and polar, at codon 2885 of the RYR2 protein (p.Asp2885Tyr).

NM_001035.3(RYR2):c.8653G>T (p.Asp2885Tyr)

Gene: RYR2 (ryanodine receptor 2; plus strand). Cytogenetic location: 1q43.
Variant type: single nucleotide variant.
Coding change: c.8653G>T on transcript NM_001035.3 (MANE Select); coding-DNA position 8653, G replaced by T.
Protein change: p.Asp2885Tyr; replaces aspartic acid 2885 with tyrosine.
Molecular consequence: missense variant.
Genome position (GRCh38, 1-based): chr1:237,674,158, G>T. VCF-style: chr1-237674158-G-T. GRCh37 (hg19) VCF-style: chr1-237837458-G-T.
Other names: c.8653G>T (NM_001035.2); short protein forms D2885Y.
Identifiers: ClinVar variation 1377992 (VCV001377992.9), dbSNP rs2148908834, ClinGen allele CA345403039.